The following is an entry in ClinVar:

ClinVar aggregate classification (germline): Uncertain significance (1 of 4 stars; one submission).

Conditions:
Kabuki syndrome 2 (KABUK2). Also called: KDM6A-Related Kabuki Syndrome. Identifiers: Orphanet 2322, MedGen C3275495, MONDO:0010465, OMIM 300867.

gnomAD v4.1: 5 of 1,210,301 alleles (0.00041%); highest among the groups gnomAD compares: South Asian, 0.007%; no homozygotes.

Submission:

Labcorp Genetics (formerly Invitae), Labcorp
Classification: Uncertain significance for Kabuki syndrome 2. Last evaluated: 2024-11-19. Review status: criteria provided, single submitter. Criteria: Invitae Variant Classification Sherloc (09022015). Collection method: clinical testing. Allele origin: germline.
Comment: This sequence change replaces glutamine, which is neutral and polar, with histidine, which is basic and polar, at codon 647 of the KDM6A protein (p.Gln647His). This variant is present in population databases (no rsID available, gnomAD 0.004%). This variant has not been reported in the literature in individuals affected with KDM6A-related conditions. Invitae Evidence Modeling of protein sequence and biophysical properties (such as structural, functional, and spatial information, amino acid conservation, physicochemical variation, residue mobility, and thermodynamic stability) indicates that this missense variant is not expected to disrupt KDM6A protein function with a negative predictive value of 80%. In summary, the available evidence is currently insufficient to determine the role of this variant in disease. Therefore, it has been classified as a Variant of Uncertain Significance.

NM_001291415.2(KDM6A):c.2097G>C (p.Gln699His)

Gene: KDM6A (lysine demethylase 6A; plus strand). Cytogenetic location: Xp11.3.
Variant type: single nucleotide variant.
Coding change: c.2097G>C on transcript NM_001291415.2 (MANE Select); coding-DNA position 2097, G replaced by C.
Protein change: p.Gln699His; replaces glutamine 699 with histidine.
Molecular consequence: missense variant. On other transcripts: non-coding transcript variant (1).
Genome position (GRCh38, 1-based): chrX:45,069,596, G>C. VCF-style: chrX-45069596-G-C. GRCh37 (hg19) VCF-style: chrX-44928841-G-C.
Other names: c.1962G>C, p.Gln654His (NM_001291416.2, NM_001419811.1); c.1806G>C, p.Gln602His (NM_001291417.2); c.1704G>C, p.Gln568His (NM_001291418.2, NM_001419815.1); c.1053G>C, p.Gln351His (NM_001291421.2); c.1839G>C, p.Gln613His (NM_001410742.1, NM_001419814.1); c.2097G>C, p.Gln699His (NM_001419809.1); c.1995G>C, p.Gln665His (NM_001419810.1, NM_001419813.1); c.1941G>C, p.Gln647His (NM_001419812.1, NM_021140.4); short protein forms Q568H, Q665H, Q654H, Q602H, Q647H, Q351H, Q613H, Q699H.
Identifiers: ClinVar variation 3697195 (VCV003697195.2).